The following is an entry in ClinVar:

NM_020921.4(NIN):c.4937G>A (p.Arg1646His)

Gene: NIN (ninein; minus strand). Cytogenetic location: 14q22.1.
Variant type: single nucleotide variant.
Coding change: c.4937G>A on transcript NM_020921.4 (MANE Select); coding-DNA position 4937, G replaced by A.
Protein change: p.Arg1646His; replaces arginine 1646 with histidine.
Molecular consequence: missense variant.
Genome position (GRCh38, 1-based): chr14:50,752,531, C>T on the plus strand (G>A on the coding strand, the complement: NIN is on the minus strand). VCF-style: chr14-50752531-C-T. GRCh37 (hg19) VCF-style: chr14-51219249-C-T.
Other names: c.2798G>A, p.Arg933His (NM_016350.5); c.4937G>A, p.Arg1646His (NM_182944.3, NM_182946.2); short protein forms R1646H, R933H.
Identifiers: ClinVar variation 129793 (VCV000129793.17), dbSNP rs149669464, ClinGen allele CA154101.

ClinVar aggregate classification (germline): Benign. Review status: criteria provided, single submitter (1 of 4 stars). 4 submissions from 4 submitters: Benign (1). 3 of the submissions do not count toward it. Last evaluated 2026-01-26.

Allele frequency attached by ClinVar (database versions not stated): ESP Exome Variant Server 0.00015; gnomAD 0.00096 and 0.00115; TOPMed 0.00131; gnomAD exomes 0.00187; ExAC 0.00194; 1000 Genomes Project 30x 0.00453; 1000 Genomes Project 0.00519.
gnomAD v4.1: 1,490 of 1,613,452 alleles (0.092%); highest among the groups gnomAD compares: East Asian, 1.9%; 19 homozygotes.

Submissions (4):

Labcorp Genetics (formerly Invitae), Labcorp
Classification: Benign. Last evaluated: 2026-01-26. Review status: criteria provided, single submitter. Criteria: Invitae Variant Classification Sherloc (09022015). Collection method: clinical testing. Allele origin: germline.

Clinical Genetics DNA and cytogenetics Diagnostics Lab, Erasmus MC, Erasmus Medical Center
Classification: Likely benign. Review status: no assertion criteria provided. Collection method: clinical testing. Allele origin: germline. Affected: yes. Study: VKGL Data-share Consensus. Not counted in ClinVar's aggregate classification.

Genetic Services Laboratory, University of Chicago
Classification: Likely benign for AllHighlyPenetrant. Review status: no assertion criteria provided. Collection method: clinical testing. Allele origin: germline. Inheritance: Autosomal recessive inheritance. Not counted in ClinVar's aggregate classification.
Comment: Likely benign based on allele frequency in 1000 Genomes Project or ESP global frequency and its presence in a patient with a rare or unrelated disease phenotype. NOT Sanger confirmed.

Laboratory of Diagnostic Genome Analysis, Leiden University Medical Center (LUMC)
Classification: Likely benign. Review status: no assertion criteria provided. Collection method: clinical testing. Allele origin: germline. Affected: yes. Study: VKGL Data-share Consensus. Not counted in ClinVar's aggregate classification.